The following is an entry in ClinVar:

NM_018249.6(CDK5RAP2):c.2398C>T (p.Arg800Trp)

Gene: CDK5RAP2 (CDK5 regulatory subunit associated protein 2; minus strand). Cytogenetic location: 9q33.2.
Variant type: single nucleotide variant.
Coding change: c.2398C>T on transcript NM_018249.6 (MANE Select); coding-DNA position 2398, C replaced by T.
Protein change: p.Arg800Trp; replaces arginine 800 with tryptophan.
Molecular consequence: missense variant. On other transcripts: non-coding transcript variant (5), intron variant (1).
Genome position (GRCh38, 1-based): chr9:120,453,851, G>A on the plus strand (C>T on the coding strand, the complement: CDK5RAP2 is on the minus strand). VCF-style: chr9-120453851-G-A. GRCh37 (hg19) VCF-style: chr9-123216129-G-A.
Other names: c.2398C>T, p.Arg800Trp (NM_001011649.3); c.2299C>T, p.Arg767Trp (NM_001410992.1); c.2302C>T, p.Arg768Trp (NM_001410993.1); c.2395C>T, p.Arg799Trp (NM_001410994.1); c.2104-5725C>T (NM_001272039.2); c.2398C>T (NM_018249.4); short protein forms R799W, R767W, R768W, R800W.
Identifiers: ClinVar variation 2200617 (VCV002200617.2), dbSNP rs148134702, ClinGen allele CA5214073.

ClinVar aggregate classification (germline): Uncertain significance. Review status: criteria provided, multiple submitters, no conflicts (2 of 4 stars). 2 submissions from 2 submitters: Uncertain significance (2). Last evaluated 2022-06-07.

Conditions:
Inborn genetic diseases. Identifiers: MedGen C0950123, MeSH D030342.

Allele frequency attached by ClinVar (database versions not stated): ExAC 0.00004; TOPMed 0.00007; ESP Exome Variant Server 0.00008; gnomAD 0.00011; gnomAD exomes 0.00013; 1000 Genomes Project 30x 0.00016; 1000 Genomes Project 0.00020.
gnomAD v4.1: 196 of 1,614,134 alleles (0.012%); highest among the groups gnomAD compares: Non-Finnish European, 0.015%; no homozygotes.

Submissions (2):

Labcorp Genetics (formerly Invitae), Labcorp
Classification: Uncertain significance. Last evaluated: 2022-06-07. Review status: criteria provided, single submitter. Criteria: Invitae Variant Classification Sherloc (09022015). Collection method: clinical testing. Allele origin: germline.
Comment: This sequence change replaces arginine, which is basic and polar, with tryptophan, which is neutral and slightly polar, at codon 800 of the CDK5RAP2 protein (p.Arg800Trp). This variant is present in population databases (rs148134702, gnomAD 0.01%). This variant has not been reported in the literature in individuals affected with CDK5RAP2-related conditions. Algorithms developed to predict the effect of missense changes on protein structure and function output the following: SIFT: "Deleterious"; PolyPhen-2: "Probably Damaging"; Align-GVGD: "Class C0". The tryptophan amino acid residue is found in multiple mammalian species, which suggests that this missense change does not adversely affect protein function. In summary, the available evidence is currently insufficient to determine the role of this variant in disease. Therefore, it has been classified as a Variant of Uncertain Significance.

Ambry Genetics
Classification: Uncertain significance for Inborn genetic diseases. Last evaluated: 2021-09-28. Review status: criteria provided, single submitter. Criteria: Ambry Variant Classification Scheme 2023. Collection method: clinical testing. Allele origin: germline.